The following is an entry in ClinVar:

ClinVar aggregate classification (germline): Pathogenic. Review status: criteria provided, multiple submitters, no conflicts (2 of 4 stars). 5 submissions from 5 submitters: Pathogenic (5). Last evaluated 2025-07-21.

Conditions:
Hereditary nonpolyposis colon cancer (HNPCC). Also called: Hereditary Nonpolyposis Colorectal Cancer Syndrome; Hereditary nonpolyposis colorectal cancer; Familial nonpolyposis colon cancer. Identifiers: Orphanet 443909, MedGen C1333990, MONDO:0018630. Disease mechanism: loss of function.
Hereditary nonpolyposis colorectal neoplasms. Identifiers: MedGen C0009405, MeSH D003123.
Hereditary cancer-predisposing syndrome. Also called: Tumor predisposition; Hereditary Cancer Syndrome; Hereditary neoplastic syndrome; Neoplastic Syndromes, Hereditary. Identifiers: Orphanet 140162, MedGen C0027672, MeSH D009386, MONDO:0015356.
Lynch syndrome 4 (LYNCH4). Also called: Colorectal cancer, hereditary nonpolyposis, type 4; Hereditary non-polyposis colorectal cancer, type 4. Identifiers: Orphanet 144, MedGen C1838333, MONDO:0013699, OMIM 614337. Disease mechanism: loss of function.

Submissions (5):

Labcorp Genetics (formerly Invitae), Labcorp
Classification: Pathogenic for Hereditary nonpolyposis colorectal neoplasms. Last evaluated: 2025-07-21. Review status: criteria provided, single submitter. Criteria: Invitae Variant Classification Sherloc (09022015). Collection method: clinical testing. Allele origin: germline.
Comment: This sequence change creates a premature translational stop signal (p.Asp286Valfs*10) in the PMS2 gene. It is expected to result in an absent or disrupted protein product. Loss-of-function variants in PMS2 are known to be pathogenic (PMID: 21376568, 24362816). This variant is not present in population databases (gnomAD no frequency). This premature translational stop signal has been observed in individual(s) with endometrial cancer (PMID: 26248088). For these reasons, this variant has been classified as Pathogenic.

Baylor Genetics
Classification: Pathogenic for Lynch syndrome 4. Last evaluated: 2023-12-01. Review status: criteria provided, single submitter. Criteria: ACMG Guidelines, 2015. Collection method: clinical testing. Allele origin: unknown.

Myriad Genetics, Inc.
Classification: Pathogenic for Lynch syndrome 4. Last evaluated: 2023-09-19. Review status: criteria provided, single submitter. Criteria: Myriad Autosomal Dominant, Autosomal Recessive and X-Linked Classification Criteria (2023). Collection method: clinical testing. Allele origin: unknown.
Comment: This variant is considered pathogenic. This variant creates a frameshift predicted to result in premature protein truncation.

Women's Health and Genetics/Laboratory Corporation of America, LabCorp
Classification: Pathogenic for Hereditary nonpolyposis colon cancer. Last evaluated: 2022-06-01. Review status: criteria provided, single submitter. Criteria: LabCorp Variant Classification Summary - May 2015. Collection method: clinical testing. Allele origin: germline.
Comment: Variant summary: PMS2 c.857_864delACAGACAG (p.Asp286ValfsX10) results in a premature termination codon, predicted to cause a truncation of the encoded protein or absence of the protein due to nonsense mediated decay, which are commonly known mechanisms for disease. Truncations downstream of this position have been classified as pathogenic by our laboratory. The variant was absent in 251446 control chromosomes. c.857_864delACAGACAG has been reported in the literature in individuals affected with Hereditary Nonpolyposis Colorectal Cancer/Lynch Syndrome (example, Guindalini_2015, Espenschied_2017). Two clinical diagnostic laboratories have submitted clinical-significance assessments for this variant to ClinVar after 2014 without evidence for independent evaluation. All laboratories classified the variant as pathogenic. Based on the evidence outlined above, the variant was classified as pathogenic.

Ambry Genetics
Classification: Pathogenic for Hereditary cancer-predisposing syndrome. Last evaluated: 2014-07-18. Review status: criteria provided, single submitter. Criteria: Ambry Variant Classification Scheme 2023. Collection method: clinical testing. Allele origin: germline.
Comment: The c.857_864del8 mutation (also known as c.857delACAGACAG) is located in coding exon 8 of the PMS2 gene. This results from a deletion of 8 nucleotides between positions 857 and 864 causing a translational frameshift with a predicted alternate stop codon. Since frameshifts are typically deleterious in nature, this alteration is interpreted as a disease-causing mutation (ACMG Recommendations for Standards for Interpretation and Reporting of Sequence Variations. Revision 2007. Genet Med. 2008;10:294).

Literature cited by the submitters: PubMed 21376568 (cited by Labcorp Genetics (formerly Invitae), Labcorp); PubMed 24362816 (cited by Labcorp Genetics (formerly Invitae), Labcorp); PubMed 26248088 (cited by Labcorp Genetics (formerly Invitae), Labcorp and Women's Health and Genetics/Laboratory Corporation of America, LabCorp); PubMed 28514183 (cited by Women's Health and Genetics/Laboratory Corporation of America, LabCorp).

NM_000535.7(PMS2):c.857_864del (p.Asp286fs)

Gene: PMS2 (PMS1 homolog 2, mismatch repair system component; minus strand). Cytogenetic location: 7p22.1.
Variant type: Microsatellite.
Coding change: c.857_864del on transcript NM_000535.7 (MANE Select); coding-DNA positions 857 to 864, 8 bases deleted (ACAGACAG; older notation c.857_864delACAGACAG).
Protein change: p.Asp286fs; shifts the reading frame from aspartic acid 286.
Molecular consequence: frameshift variant. On other transcripts: 5 prime UTR variant (2), non-coding transcript variant (1).
Genome position (GRCh38, 1-based): chr7:5,995,573-5,995,580, CTGTCTGT deleted on the plus strand (ACAGACAG on the coding strand, the reverse complement: PMS2 is on the minus strand); deleting any 8 consecutive bases within chr7:5,995,573-5,995,584 gives the same sequence; the c. name uses the placement nearest the transcript's 3' end. VCF-style (leftmost placement, unchanged base first): chr7-5995572-ACTGTCTGT-A. GRCh37 (hg19) VCF-style: chr7-6035203-ACTGTCTGT-A.
Other names: c.857_864delACAGACAG (NM_000535.5); c.452_459del, p.Asp151fs (NM_001322003.2, NM_001322004.2, NM_001322005.2 and 2 more transcripts); c.857_864del, p.Asp286fs (NM_001322006.2, NM_001322014.2); c.539_546del, p.Asp180fs (NM_001322007.2, NM_001322008.2); c.-81ACAG[1] (NM_001322011.2, NM_001322012.2); c.284_291del, p.Asp95fs (NM_001322013.2); c.548_555del, p.Asp183fs (NM_001322015.2); short protein forms D151fs, D95fs, D286fs, D180fs, D183fs.
Identifiers: ClinVar variation 183860 (VCV000183860.17), dbSNP rs267608154, ClinGen allele CA013006.